The following is an entry in ClinVar:

NM_144596.4(TTC8):c.145-9G>A

Gene: TTC8 (tetratricopeptide repeat domain 8; plus strand). Cytogenetic location: 14q31.3.
Variant type: single nucleotide variant.
Coding change: c.145-9G>A on transcript NM_144596.4 (MANE Select); 9 bases into the intron before coding-DNA position 145, G replaced by A.
Molecular consequence: intron variant.
Genome position (GRCh38, 1-based): chr14:88,839,443, G>A. VCF-style: chr14-88839443-G-A. GRCh37 (hg19) VCF-style: chr14-89305787-G-A.
Other names: c.-448-9G>A (NM_001288782.1); c.115-9G>A (NM_001288781.1, NM_198309.3, NM_198310.3 and 2 more transcripts); c.-543-9G>A (NM_001288783.1).
Identifiers: ClinVar variation 3349038 (VCV003349038.1).

ClinVar aggregate classification (germline): Uncertain significance (0 of 4 stars; one submission).

Conditions:
TTC8-related disorder. Also called: TTC8-related condition.

Submission:

PreventionGenetics, part of Exact Sciences
Classification: Uncertain significance for TTC8-related condition. Last evaluated: 2023-12-14. Review status: no assertion criteria provided. Collection method: clinical testing. Allele origin: germline.
Comment: The TTC8 c.145-9G>A variant is predicted to interfere with splicing. This variant is predicted to alter splicing based on available splicing prediction programs (SpliceAI, Jaganathan et al. 2019. PubMed ID: 30661751; Alamut Visual Plus v1.6.1). However, the use of computer prediction programs is not equivalent to functional evidence. To our knowledge, this variant has not been reported in the literature or in a large population database, indicating this variant is rare. At this time, the clinical significance of this variant is uncertain due to the absence of conclusive functional and genetic evidence.